The following is an entry in ClinVar:

ClinVar aggregate classification (germline): Pathogenic (1 of 4 stars; one submission).

Submission:

CeGaT Center for Human Genetics Tuebingen
Classification: Pathogenic. Last evaluated: 2024-01-01. Review status: criteria provided, single submitter. Criteria: CeGaT Center For Human Genetics Tuebingen Variant Classification Criteria Version 2. Collection method: clinical testing. Allele origin: germline. Affected: yes. Observed: 1 variant allele.
Comment: HNF1B: PVS1, PM2

NM_000458.4(HNF1B):c.1042del (p.Ser348fs)

Gene: HNF1B (HNF1 homeobox B; minus strand). Cytogenetic location: 17q12.
Variant type: Deletion.
Coding change: c.1042del on transcript NM_000458.4 (MANE Select); coding-DNA position 1042, one base deleted (T; older notation c.1042delT).
Protein change: p.Ser348fs; shifts the reading frame from serine 348.
Molecular consequence: frameshift variant.
Genome position (GRCh38, 1-based): chr17:37,731,598, A deleted on the plus strand (T on the coding strand, the reverse complement: HNF1B is on the minus strand). VCF-style (leftmost placement, unchanged base first): chr17-37731597-GA-G. GRCh37 (hg19) VCF-style: chr17-36091588-GA-G.
Other names: c.964del, p.Ser322fs (NM_001165923.4, NM_001304286.2); c.1042del, p.Ser348fs (NM_001411100.1); short protein forms S322fs, S348fs.
Identifiers: ClinVar variation 3026928 (VCV003026928.22), dbSNP rs2511799974, ClinGen allele CA2740095324.